The following is an entry in ClinVar:

NM_001042492.3(NF1):c.4303del (p.Ile1435fs)

Gene: NF1 (neurofibromin 1; plus strand). Cytogenetic location: 17q11.2.
Variant type: Deletion.
Coding change: c.4303del on transcript NM_001042492.3 (MANE Select); coding-DNA position 4303, one base deleted (A; older notation c.4303delA).
Protein change: p.Ile1435fs; shifts the reading frame from isoleucine 1435.
Molecular consequence: frameshift variant.
Genome position (GRCh38, 1-based): chr17:31,258,473, A deleted; the last of 2 consecutive A bases (chr17:31,258,472-31,258,473); deleting either gives the same sequence. VCF-style (leftmost placement, unchanged base first): chr17-31258471-GA-G. GRCh37 (hg19) VCF-style: chr17-29585489-GA-G.
Other names: c.4240delA, p.Ile1414Serfs (NM_000267.4); short protein forms I1435fs, I1414fs.
Identifiers: ClinVar variation 3726586 (VCV003726586.2).

ClinVar aggregate classification (germline): Pathogenic (1 of 4 stars; one submission).

Conditions:
Neurofibromatosis, type 1 (NF1). Also called: NEUROFIBROMATOSIS, TYPE I, SOMATIC; Peripheral type neurofibromatosis; Neurofibromatosis, type I; VON RECKLINGHAUSEN DISEASE. Identifiers: Orphanet 636, MedGen C0027831, MONDO:0018975, OMIM 162200. Disease mechanism: loss of function.

Submission:

Labcorp Genetics (formerly Invitae), Labcorp
Classification: Pathogenic for Neurofibromatosis, type 1. Last evaluated: 2024-12-04. Review status: criteria provided, single submitter. Criteria: Invitae Variant Classification Sherloc (09022015). Collection method: clinical testing. Allele origin: germline.
Comment: This sequence change creates a premature translational stop signal (p.Ile1414Serfs*5) in the NF1 gene. It is expected to result in an absent or disrupted protein product. Loss-of-function variants in NF1 are known to be pathogenic (PMID: 10712197, 23913538). This variant is not present in population databases (gnomAD no frequency). This variant has not been reported in the literature in individuals affected with NF1-related conditions. For these reasons, this variant has been classified as Pathogenic.

Literature cited by the submitters: PubMed 10712197; PubMed 23913538.